The following is an entry in ClinVar:

NM_001145319.2(PLS1):c.345C>T (p.Gly115=)

Gene: PLS1 (plastin 1; plus strand). Cytogenetic location: 3q23.
Variant type: single nucleotide variant.
Coding change: c.345C>T on transcript NM_001145319.2 (MANE Select); coding-DNA position 345, C replaced by T.
Protein change: p.Gly115=; no amino-acid change (glycine 115 retained).
Molecular consequence: synonymous variant.
Genome position (GRCh38, 1-based): chr3:142,671,103, C>T. VCF-style: chr3-142671103-C-T. GRCh37 (hg19) VCF-style: chr3-142389945-C-T.
Other names: c.345C>T, p.Gly115= (NM_001172312.2, NM_002670.3).
Identifiers: ClinVar variation 3352105 (VCV003352105.1).

ClinVar aggregate classification (germline): Likely benign (0 of 4 stars; one submission).

Conditions:
PLS1-related disorder. Also called: PLS1-related condition.

gnomAD v4.1: 20 of 1,610,756 alleles (0.0012%); highest among the groups gnomAD compares: East Asian, 0.038%; no homozygotes.

Submission:

PreventionGenetics, part of Exact Sciences
Classification: Likely benign for PLS1-related condition. Last evaluated: 2024-06-03. Review status: no assertion criteria provided. Collection method: clinical testing. Allele origin: germline.
Comment: This variant is classified as likely benign based on ACMG/AMP sequence variant interpretation guidelines (Richards et al. 2015 PMID: 25741868, with internal and published modifications).